The following is an entry in ClinVar:

NM_001384910.1(GUCA1A):c.201+1G>A

Genes: GUCA1A (guanylate cyclase activator 1A; plus strand), GUCA1ANB-GUCA1A (GUCA1ANB-GUCA1A readthrough; plus strand). Cytogenetic location: 6p21.1.
Variant type: single nucleotide variant.
Coding change: c.201+1G>A on transcript NM_001384910.1 (MANE Select); the canonical splice donor site of the intron after coding-DNA position 201, G replaced by A.
Molecular consequence: splice donor variant.
Genome position (GRCh38, 1-based): chr6:42,173,815, G>A. VCF-style: chr6-42173815-G-A. GRCh37 (hg19) VCF-style: chr6-42141553-G-A.
Other names: c.201+1G>A (NM_001319061.2, NM_000409.5, NM_001319062.2).
Identifiers: ClinVar variation 1004537 (VCV001004537.9), dbSNP rs1416516826, ClinGen allele CA364106306.

ClinVar aggregate classification (germline): Uncertain significance (1 of 4 stars; one submission).

Allele frequency attached by ClinVar (database versions not stated): TOPMed below 0.00001.

Submission:

Labcorp Genetics (formerly Invitae), Labcorp
Classification: Uncertain significance. Last evaluated: 2022-10-17. Review status: criteria provided, single submitter. Criteria: Invitae Variant Classification Sherloc (09022015). Collection method: clinical testing. Allele origin: germline.
Comment: This variant has not been reported in the literature in individuals affected with GUCA1A-related conditions. In summary, the available evidence is currently insufficient to determine the role of this variant in disease. Therefore, it has been classified as a Variant of Uncertain Significance. Algorithms developed to predict the effect of sequence changes on RNA splicing suggest that this variant may disrupt the consensus splice site. ClinVar contains an entry for this variant (Variation ID: 1004537). This variant is not present in population databases (gnomAD no frequency). This sequence change affects a donor splice site in intron 3 of the GUCA1A gene. It is expected to disrupt RNA splicing. Variants that disrupt the donor or acceptor splice site typically lead to a loss of protein function (PMID: 16199547), however the current clinical and genetic evidence is not sufficient to establish whether loss-of-function variants in GUCA1A cause disease.

Literature cited by the submitters: PubMed 16199547.